The following is an entry in ClinVar:

ClinVar aggregate classification (germline): Conflicting classifications of pathogenicity. Review status: criteria provided, conflicting classifications (1 of 4 stars). 2 submissions from 2 submitters: Uncertain significance (1); Likely benign (1). Last evaluated 2025-03-17.

Conditions:
Developmental and epileptic encephalopathy, 41 (DEE41). Also called: Epileptic encephalopathy, early infantile, 41. Identifiers: MedGen C4310717, MONDO:0014916, OMIM 617105.

Allele frequency attached by ClinVar (database versions not stated): gnomAD 0.00001; gnomAD exomes 0.00002.
gnomAD v4.1: 26 of 1,613,684 alleles (0.0016%); highest among the groups gnomAD compares: African/African-American, 0.0053%; no homozygotes.

Submissions (2):

Labcorp Genetics (formerly Invitae), Labcorp
Classification: Uncertain significance. Last evaluated: 2025-03-17. Review status: criteria provided, single submitter. Criteria: Invitae Variant Classification Sherloc (09022015). Collection method: clinical testing. Allele origin: germline.
Comment: This sequence change replaces aspartic acid, which is acidic and polar, with asparagine, which is neutral and polar, at codon 562 of the SLC1A2 protein (p.Asp562Asn). This variant is present in population databases (no rsID available, gnomAD 0.009%). This variant has not been reported in the literature in individuals affected with SLC1A2-related conditions. ClinVar contains an entry for this variant (Variation ID: 2144833). An algorithm developed to predict the effect of missense changes on protein structure and function (PolyPhen-2) suggests that this variant is likely to be tolerated. In summary, the available evidence is currently insufficient to determine the role of this variant in disease. Therefore, it has been classified as a Variant of Uncertain Significance.

Institute of Human Genetics, FAU Erlangen, Friedrich-Alexander-Universität Erlangen-Nürnberg
Classification: Likely benign for Developmental and epileptic encephalopathy, 41. Last evaluated: 2024-10-25. Review status: criteria provided, single submitter. Criteria: Hauer et al. (Genet Med. 2018). Collection method: clinical testing. Allele origin: germline. Inheritance: Autosomal dominant inheritance. Affected: yes. Observed: 2 variant alleles.
Comment: This variant has been identified by standard clinical testing. Selected ACMG criteria: Not enough evidence:BS2;PM2

NM_004171.4(SLC1A2):c.1684G>A (p.Asp562Asn)

Gene: SLC1A2 (solute carrier family 1 member 2; minus strand). Cytogenetic location: 11p13.
Variant type: single nucleotide variant.
Coding change: c.1684G>A on transcript NM_004171.4 (MANE Select); coding-DNA position 1684, G replaced by A.
Protein change: p.Asp562Asn; replaces aspartic acid 562 with asparagine.
Molecular consequence: missense variant.
Genome position (GRCh38, 1-based): chr11:35,260,935, C>T on the plus strand (G>A on the coding strand, the complement: SLC1A2 is on the minus strand). VCF-style: chr11-35260935-C-T. GRCh37 (hg19) VCF-style: chr11-35282482-C-T.
Other names: c.1657G>A, p.Asp553Asn (NM_001195728.3, NM_001252652.2); short protein forms D562N, D553N.
Identifiers: ClinVar variation 2144833 (VCV002144833.5), dbSNP rs892203135, ClinGen allele CA220524995.
Genomic context (GRCh38, chr11:35,260,935, plus strand): 5'-TTTGCTGAGACTCATATCCTTATTTCTCACGTTTCCAAGGTTCTTCCTCAACACTGCAGT[C>T]GGCTGACTTTCCATTGGCTGCCAGAGTTACCTGAAAATAATTATCATCAACATCCAGCTT-3'
Protein context (NP_004162.2, residues 552-572): VTLAANGKSA[Asp562Asn]CSVEEEPWKR